The following is an entry in ClinVar:

ClinVar aggregate classification (germline): Uncertain significance (1 of 4 stars; one submission).

Conditions:
X-linked immunodeficiency with magnesium defect, Epstein-Barr virus infection and neoplasia. Identifiers: Orphanet 317476, MedGen C3275445, MONDO:0010455, OMIM 300853.

gnomAD v4.1: 4 of 1,211,974 alleles (0.00033%); highest among the groups gnomAD compares: Non-Finnish European, 0.00045%; no homozygotes.

Submission:

Labcorp Genetics (formerly Invitae), Labcorp
Classification: Uncertain significance for X-linked immunodeficiency with magnesium defect, Epstein-Barr virus infection and neoplasia. Last evaluated: 2025-06-11. Review status: criteria provided, single submitter. Criteria: Invitae Variant Classification Sherloc (09022015). Collection method: clinical testing. Allele origin: germline.
Comment: This sequence change falls in intron 1 of the MAGT1 gene. It does not directly change the encoded amino acid sequence of the MAGT1 protein. It affects a nucleotide within the consensus splice site. This variant is not present in population databases (gnomAD no frequency). This variant has not been reported in the literature in individuals affected with MAGT1-related conditions. Variants that disrupt the consensus splice site are a relatively common cause of aberrant splicing (PMID: 17576681, 9536098). Algorithms developed to predict the effect of sequence changes on RNA splicing suggest that this variant may disrupt the consensus splice site. In summary, the available evidence is currently insufficient to determine the role of this variant in disease. Therefore, it has been classified as a Variant of Uncertain Significance.

Literature cited by the submitters: PubMed 17576681; PubMed 9536098.

NM_001367916.1(MAGT1):c.102+5G>A

Genes: MAGT1 (magnesium transporter 1; minus strand), LOC130068460 (ATAC-STARR-seq lymphoblastoid active region 29781; plus strand). Cytogenetic location: Xq21.1.
Variant type: single nucleotide variant.
Coding change: c.102+5G>A on transcript NM_001367916.1 (MANE Select); 5 bases into the intron after coding-DNA position 102, G replaced by A.
Molecular consequence: intron variant.
Genome position (GRCh38, 1-based): chrX:77,895,304, C>T on the plus strand (G>A on the coding strand, the complement: MAGT1 is on the minus strand). VCF-style: chrX-77895304-C-T. GRCh37 (hg19) VCF-style: chrX-77150801-C-T.
Other names: c.198+5G>A (NM_032121.5).
Identifiers: ClinVar variation 4721220 (VCV004721220.1).